The following is an entry in ClinVar:

NM_030632.3(ASXL3):c.71C>G (p.Pro24Arg)

Gene: ASXL3 (ASXL transcriptional regulator 3; plus strand). Cytogenetic location: 18q12.1.
Variant type: single nucleotide variant.
Coding change: c.71C>G on transcript NM_030632.3 (MANE Select); coding-DNA position 71, C replaced by G.
Protein change: p.Pro24Arg; replaces proline 24 with arginine.
Molecular consequence: missense variant.
Genome position (GRCh38, 1-based): chr18:33,607,610, C>G. VCF-style: chr18-33607610-C-G. GRCh37 (hg19) VCF-style: chr18-31187574-C-G.
Other names: short protein forms P24R.
Identifiers: ClinVar variation 4813591 (VCV004813591.1).
Genomic context (GRCh38, chr18:33,607,610, plus strand): 5'-ATGCTGCCATGCAATAATCTAGGAATCTTATGTTTATATTTTAGGCACTAGAAAAACACC[C>G]CAACTCACCAATGACAGCAAAGCAGATATTGGAAGTCATTCAGAAAGAAGGGTTAAAAGA-3'
Protein context (NP_085135.1, residues 14-34): EAARLALEKH[Pro24Arg]NSPMTAKQIL

ClinVar aggregate classification (germline): Uncertain significance (1 of 4 stars; one submission).

Conditions:
Bainbridge-Ropers syndrome. Also called: Severe feeding difficulties-failure to thrive-microcephaly due to ASXL3 deficiency syndrome. Identifiers: Orphanet 352577, MedGen C4750837, MONDO:0014205, OMIM 615485.

Submission:

Mendelics
Classification: Uncertain significance for Bainbridge-Ropers syndrome. Last evaluated: 2026-03-05. Review status: criteria provided, single submitter. Criteria: ACMG Guidelines, 2015. Collection method: clinical testing. Allele origin: unknown.
Comment: The available evidence is insufficient to conclusively determine the role of this variant. Therefore, it is classified as a Variant of Uncertain Significance.